The following is an entry in ClinVar:

ClinVar aggregate classification (germline): Uncertain significance (1 of 4 stars; one submission).

Submission:

Labcorp Genetics (formerly Invitae), Labcorp
Classification: Uncertain significance. Last evaluated: 2024-11-02. Review status: criteria provided, single submitter. Criteria: Invitae Variant Classification Sherloc (09022015). Collection method: clinical testing. Allele origin: germline.
Comment: This sequence change replaces alanine, which is neutral and non-polar, with serine, which is neutral and polar, at codon 79 of the SRCAP protein (p.Ala79Ser). This variant is not present in population databases (gnomAD no frequency). This variant has not been reported in the literature in individuals affected with SRCAP-related conditions. Invitae Evidence Modeling of protein sequence and biophysical properties (such as structural, functional, and spatial information, amino acid conservation, physicochemical variation, residue mobility, and thermodynamic stability) indicates that this missense variant is not expected to disrupt SRCAP protein function with a negative predictive value of 80%. In summary, the available evidence is currently insufficient to determine the role of this variant in disease. Therefore, it has been classified as a Variant of Uncertain Significance.

NM_006662.3(SRCAP):c.235G>T (p.Ala79Ser)

Gene: SRCAP (Snf2 related CREBBP activator protein; plus strand). Cytogenetic location: 16p11.2.
Variant type: single nucleotide variant.
Coding change: c.235G>T on transcript NM_006662.3 (MANE Select); coding-DNA position 235, G replaced by T.
Protein change: p.Ala79Ser; replaces alanine 79 with serine.
Molecular consequence: missense variant.
Genome position (GRCh38, 1-based): chr16:30,704,244, G>T. VCF-style: chr16-30704244-G-T. GRCh37 (hg19) VCF-style: chr16-30715565-G-T.
Other names: short protein forms A79S.
Identifiers: ClinVar variation 3668686 (VCV003668686.2).
Genomic context (GRCh38, chr16:30,704,244, plus strand): 5'-GGACCTCCAGGCCCCCCAGATGGTGCCACAGTGCCCCTGGAGGGGTTCAGCTTATCCCAG[G>T]CTGCTGACCTGGCTAACAAGGGCCCGAAGTGGGAGAAGAGCCATGCCGAAATTGCAGAAC-3'
Protein context (NP_006653.2, residues 69-89): VPLEGFSLSQ[Ala79Ser]ADLANKGPKW